The following is an entry in ClinVar:

NM_020778.5(ALPK3):c.2923A>T (p.Thr975Ser)

Gene: ALPK3 (alpha kinase 3; plus strand). Cytogenetic location: 15q25.3.
Variant type: single nucleotide variant.
Coding change: c.2923A>T on transcript NM_020778.5 (MANE Select); coding-DNA position 2923, A replaced by T.
Protein change: p.Thr975Ser; replaces threonine 975 with serine.
Molecular consequence: missense variant.
Genome position (GRCh38, 1-based): chr15:84,857,661, A>T. VCF-style: chr15-84857661-A-T. GRCh37 (hg19) VCF-style: chr15-85400892-A-T.
Other names: short protein forms T975S.
Identifiers: ClinVar variation 1732329 (VCV001732329.3), dbSNP rs1238255466, ClinGen allele CA393359254.

ClinVar aggregate classification (germline): Uncertain significance (1 of 4 stars; one submission).

Conditions:
Cardiovascular phenotype. Identifiers: MedGen CN230736.

Submission:

Ambry Genetics
Classification: Uncertain significance for Cardiovascular phenotype. Last evaluated: 2022-04-19. Review status: criteria provided, single submitter. Criteria: Ambry Variant Classification Scheme 2023. Collection method: clinical testing. Allele origin: germline.
Comment: The p.T1177S variant (also known as c.3529A>T), located in coding exon 6 of the ALPK3 gene, results from an A to T substitution at nucleotide position 3529. The threonine at codon 1177 is replaced by serine, an amino acid with similar properties. This amino acid position is conserved. In addition, this alteration is predicted to be tolerated by in silico analysis. Since supporting evidence is limited at this time, the clinical significance of this alteration remains unclear.